The following is an entry in ClinVar:

ClinVar aggregate classification (germline): Uncertain significance. Review status: criteria provided, multiple submitters, no conflicts (2 of 4 stars). 3 submissions from 3 submitters: Uncertain significance (2). 1 of the submissions does not count toward it. Last evaluated 2021-08-26.

Conditions:
Obesity due to prohormone convertase I deficiency. Also called: OBESITY AND ENDOCRINOPATHY DUE TO IMPAIRED PROCESSING OF PROHORMONES. Identifiers: Orphanet 71528, MedGen C1833053, MONDO:0010961, OMIM 600955.
Body mass index quantitative trait locus 12 (BMIQ12). Also called: OBESITY (BMIQ12), SUSCEPTIBILITY TO; Obesity, susceptibility to, BMIQ12. Identifiers: MedGen C2676498, OMIM 612362.
PCSK1-related disorder. Also called: PCSK1-related condition.

Allele frequency attached by ClinVar (database versions not stated): gnomAD exomes below 0.00001; TOPMed below 0.00001.
gnomAD v4.1: 4 of 1,614,186 alleles (0.00025%); highest among the groups gnomAD compares: South Asian, 0.0011%; no homozygotes.

Submissions (3):

Fulgent Genetics
Classification: Uncertain significance for Obesity due to prohormone convertase I deficiency; Body mass index quantitative trait locus 12. Last evaluated: 2021-08-26. Review status: criteria provided, single submitter. Criteria: ACMG Guidelines, 2015. Collection method: clinical testing. Allele origin: unknown.

Illumina Laboratory Services, Illumina
Classification: Uncertain significance for Obesity due to prohormone convertase I deficiency. Last evaluated: 2018-01-13. Review status: criteria provided, single submitter. Criteria: ICSL Variant Classification Criteria 13 December 2019. Collection method: clinical testing. Allele origin: germline.

PreventionGenetics, part of Exact Sciences
Classification: Uncertain significance for PCSK1-related condition. Last evaluated: 2024-08-09. Review status: no assertion criteria provided. Collection method: clinical testing. Allele origin: germline. Not counted in ClinVar's aggregate classification.
Comment: The PCSK1 c.2137C>T variant is predicted to result in the amino acid substitution p.Leu713Phe. This variant was observed in a cohort of individuals with obesity, and in vitro functional studies showed function similar to wild-type levels (Supplemental Data Set, Shah et al. 2023. PubMed ID: 36864747). This variant has not been reported in a large population database, indicating this variant is rare. At this time, the clinical significance of this variant is uncertain due to the absence of conclusive functional and genetic evidence.

NM_000439.5(PCSK1):c.2137C>T (p.Leu713Phe)

Genes: CAST (calpastatin; plus strand), PCSK1 (proprotein convertase subtilisin/kexin type 1; minus strand), LOC101929710 (uncharacterized LOC101929710; plus strand). Cytogenetic location: 5q15.
Variant type: single nucleotide variant.
Coding change: c.2137C>T on transcript NM_000439.5 (MANE Select); coding-DNA position 2137, C replaced by T.
Protein change: p.Leu713Phe; replaces leucine 713 with phenylalanine.
Molecular consequence: missense variant.
Genome position (GRCh38, 1-based): chr5:96,393,126, G>A on the plus strand (C>T on the coding strand, the complement: PCSK1 is on the minus strand). VCF-style: chr5-96393126-G-A. GRCh37 (hg19) VCF-style: chr5-95728830-G-A.
Other names: c.1996C>T, p.Leu666Phe (NM_001177875.2); short protein forms L713F, L666F.
Identifiers: ClinVar variation 354638 (VCV000354638.8), dbSNP rs886060888, ClinGen allele CA10622483.